The following is an entry in ClinVar:

NM_001288705.3(CSF1R):c.1772G>A (p.Gly591Glu)

Gene: CSF1R (colony stimulating factor 1 receptor; minus strand). Cytogenetic location: 5q32.
Variant type: single nucleotide variant.
Coding change: c.1772G>A on transcript NM_001288705.3 (MANE Select); coding-DNA position 1772, G replaced by A.
Protein change: p.Gly591Glu; replaces glycine 591 with glutamic acid.
Molecular consequence: missense variant. On other transcripts: non-coding transcript variant (2).
Genome position (GRCh38, 1-based): chr5:150,061,577, C>T on the plus strand (G>A on the coding strand, the complement: CSF1R is on the minus strand). VCF-style: chr5-150061577-C-T. GRCh37 (hg19) VCF-style: chr5-149441140-C-T.
Other names: c.1772G>A (NM_005211.3); c.1772G>A, p.Gly591Glu (NM_001349736.2, NM_001375320.1, NM_005211.4); c.1328G>A, p.Gly443Glu (NM_001375321.1); short protein forms G443E, G591E.
Identifiers: ClinVar variation 982040 (VCV000982040.5), dbSNP rs1757528753, ClinGen allele CA361714168.

ClinVar aggregate classification (germline): Likely pathogenic. Review status: criteria provided, multiple submitters, no conflicts (2 of 4 stars). 3 submissions from 3 submitters: Likely pathogenic (3). Last evaluated 2026-08-19.

Conditions:
CSF1R-related disorder. Also called: CSF1R-related condition. Identifiers: MedGen CN379780, MONDO:0100632.
Leukoencephalopathy, diffuse hereditary, with spheroids 1 (HDLS1). Also called: CSF1R-related adult-onset leukoencephalopathy with axonal spheroids and pigmented glia; SUBCORTICAL GLIOSIS OF NEUMANN; DEMENTIA, FAMILIAL, NEUMANN TYPE. Identifiers: Orphanet 313808, MedGen C5561929, MONDO:0800027, OMIM 221820.
Hereditary diffuse leukoencephalopathy with spheroids. Also called: LEUKOENCEPHALOPATHY, ADULT-ONSET, WITH AXONAL SPHEROIDS AND PIGMENTED GLIA. Identifiers: Orphanet 313808, MedGen C3711381, MONDO:0030796.

Submissions (3):

PreventionGenetics, part of Exact Sciences
Classification: Likely pathogenic for CSF1R-related condition. Last evaluated: 2026-08-19. Review status: criteria provided, single submitter. Criteria: ACMG Guidelines, 2015. Collection method: clinical testing. Allele origin: germline.
Comment: The CSF1R c.1772G>A variant is predicted to result in the amino acid substitution p.Gly591Glu. This variant has been reported in the heterozygous state in patients with hereditary diffuse leukoencephalopathy with spheroids (Table S2, Salinas et al. 2020. PubMed ID: 33084218; Dulski et al. 2024. PubMed ID: 39280886). This variant was also reported as a de novo variant in a patient with febrile infection-related epilepsy syndrome (Fisher et al. 2025. PubMed ID: 40956030). This variant has not been reported in a large population database, indicating this variant is rare. This variant is classified as likely pathogenic in ClinVar (Variation ID: 982040). Based on above information, this variant is interpreted as likely pathogenic.

Institute of Medical Genetics and Applied Genomics, University Hospital Tübingen
Classification: Likely pathogenic for Leukoencephalopathy, diffuse hereditary, with spheroids 1. Last evaluated: 2023-11-14. Review status: criteria provided, single submitter. Criteria: ACMG Guidelines, 2015. Collection method: clinical testing. Allele origin: germline. Inheritance: Autosomal dominant inheritance. Affected: yes.

Consultorio y Laboratorio de Neurogenética, Hospital JM Ramos Mejia
Classification: Likely pathogenic for Leukoencephalopathy, diffuse hereditary, with spheroids 1. Review status: criteria provided, single submitter. Criteria: CÃ³rdoba et al. (PLoS One. 2018). Collection method: clinical testing. Allele origin: unknown. Inheritance: Autosomal dominant inheritance. Affected: yes. Observed: 1 heterozygote.